The following is an entry in ClinVar:

ClinVar aggregate classification (germline): Uncertain significance (1 of 4 stars; one submission).

Allele frequency attached by ClinVar (database versions not stated): gnomAD exomes below 0.00001; TOPMed 0.00003.
gnomAD v4.1: 6 of 1,550,282 alleles (0.00039%); highest among the groups gnomAD compares: Admixed American, 0.0059%; no homozygotes.

Submission:

Labcorp Genetics (formerly Invitae), Labcorp
Classification: Uncertain significance. Last evaluated: 2025-11-23. Review status: criteria provided, single submitter. Criteria: Invitae Variant Classification Sherloc (09022015). Collection method: clinical testing. Allele origin: germline.
Comment: This sequence change replaces leucine, which is neutral and non-polar, with phenylalanine, which is neutral and non-polar, at codon 1643 of the ZNF469 protein (p.Leu1643Phe). This variant is not present in population databases (gnomAD no frequency). This variant has not been reported in the literature in individuals affected with ZNF469-related conditions. ClinVar contains an entry for this variant (Variation ID: 2907761). An algorithm developed to predict the effect of missense changes on protein structure and function (PolyPhen-2) suggests that this variant is likely to be tolerated. In summary, the available evidence is currently insufficient to determine the role of this variant in disease. Therefore, it has been classified as a Variant of Uncertain Significance.

NM_001367624.2(ZNF469):c.5011C>T (p.Leu1671Phe)

Gene: ZNF469 (zinc finger protein 469; plus strand). Cytogenetic location: 16q24.2.
Variant type: single nucleotide variant.
Coding change: c.5011C>T on transcript NM_001367624.2 (MANE Select); coding-DNA position 5011, C replaced by T.
Protein change: p.Leu1671Phe; replaces leucine 1671 with phenylalanine.
Molecular consequence: missense variant.
Genome position (GRCh38, 1-based): chr16:88,432,481, C>T. VCF-style: chr16-88432481-C-T. GRCh37 (hg19) VCF-style: chr16-88498889-C-T.
Other names: short protein forms L1671F.
Identifiers: ClinVar variation 2907761 (VCV002907761.2), dbSNP rs1299131606, ClinGen allele CA397094868.